The following is an entry in ClinVar:

ClinVar aggregate classification (germline): Conflicting classifications of pathogenicity. Review status: criteria provided, conflicting classifications (1 of 4 stars). 13 submissions from 13 submitters: Uncertain significance (2); Benign (4); Likely benign (5). 2 of the submissions do not count toward it. Last evaluated 2026-08-01.

Conditions:
Cardiovascular phenotype. Identifiers: MedGen CN230736.
Hyperuricemic nephropathy, familial juvenile type 4 (ADTKD5). Identifiers: MedGen C4310741, MONDO:0014891, OMIM 617056.
ABCG5-related disorder. Also called: ABCG5-related condition.
Sitosterolemia 1. Identifiers: MedGen C2749759, MONDO:0020747, OMIM 210250.
Sitosterolemia (STSL). Also called: PHYTOSTEROLEMIA. Identifiers: Orphanet 2882, MedGen C0342907, MONDO:0008863.

Allele frequency attached by ClinVar (database versions not stated): 1000 Genomes Project 0.00140; 1000 Genomes Project 30x 0.00141; ESP Exome Variant Server 0.00170; gnomAD 0.00190 and 0.00198; TOPMed 0.00208; gnomAD exomes 0.00237; ExAC 0.00502.
gnomAD v4.1: 3,365 of 1,581,976 alleles (0.21%); highest among the groups gnomAD compares: Middle Eastern, 0.96%; 13 homozygotes.

Submissions (13):

CeGaT Center for Human Genetics Tuebingen
Classification: Benign. Last evaluated: 2026-08-01. Review status: criteria provided, single submitter. Criteria: CeGaT Center For Human Genetics Tuebingen Variant Classification Criteria Version 2. Collection method: clinical testing. Allele origin: germline. Affected: yes. Observed: 9 variant alleles.
Comment: ABCG5: BS1, BS2

Labcorp Genetics (formerly Invitae), Labcorp
Classification: Benign for Sitosterolemia. Last evaluated: 2026-02-01. Review status: criteria provided, single submitter. Criteria: Invitae Variant Classification Sherloc (09022015). Collection method: clinical testing. Allele origin: germline.

Mayo Clinic Laboratories, Mayo Clinic
Classification: Likely benign. Last evaluated: 2025-08-08. Review status: criteria provided, single submitter. Criteria: ACMG Guidelines, 2015. Collection method: clinical testing. Allele origin: germline. Observed: 17 variant alleles.
Comment: BS1, PP3

Women's Health and Genetics/Laboratory Corporation of America, LabCorp
Classification: Likely benign. Last evaluated: 2025-04-18. Review status: criteria provided, single submitter. Criteria: LabCorp Variant Classification Summary - May 2015. Collection method: clinical testing. Allele origin: germline.
Comment: Variant summary: ABCG5 c.293C>G (p.Ala98Gly) results in a non-conservative amino acid change located in the ABC transporter-like, ATP-binding domain (IPR003439) of the encoded protein sequence. Five of five in-silico tools predict a damaging effect of the variant on protein function. The variant allele was found at a frequency of 0.0024 in 194998 control chromosomes in the gnomAD database, including 1 homozygotes. This frequency is not significantly higher than estimated for a pathogenic variant in ABCG5 causing Early Onset Coronary Artery Disease (0.0024 vs 0.005), allowing no conclusion about variant significance. c.293C>G has been reported in the literature in individuals affected with Congenital macrothrombocytopenia (Ali_2016), hypercholesterolemia (Corral_2018, Toton-Zuranska_2023), Hypoalphalipoproteinaemia (Dong_2022), without strong evidence for causality. These report(s) do not provide unequivocal conclusions about association of the variant with Early Onset Coronary Artery Disease. To our knowledge, no experimental evidence demonstrating an impact on protein function has been reported. The following publications have been ascertained in the context of this evaluation (PMID: 27291889, 30270055, 35460704, 36648309). ClinVar contains an entry for this variant (Variation ID: 289815). Based on the evidence outlined above, the variant was classified as likely benign.

Blueprint Genetics
Classification: Likely benign. Last evaluated: 2024-11-26. Review status: criteria provided, single submitter. Criteria: ACMG Guidelines, 2015. Collection method: clinical testing. Allele origin: germline.

GeneDx
Classification: Likely benign. Last evaluated: 2022-11-08. Review status: criteria provided, single submitter. Criteria: GeneDx Variant Classification Process June 2021. Collection method: clinical testing. Allele origin: germline. Affected: yes.
Comment: See Variant Classification Assertion Criteria.

New York Genome Center
Classification: Uncertain significance for Hyperuricemic nephropathy, familial juvenile type 4. Last evaluated: 2021-02-05. Review status: criteria provided, single submitter. Criteria: NYGC Assertion Criteria 2020. Collection method: clinical testing. Allele origin: germline. Observed: 1 heterozygote. Study: CSER-NYCKidSeq.

Ambry Genetics
Classification: Benign for Cardiovascular phenotype. Last evaluated: 2020-12-04. Review status: criteria provided, single submitter. Criteria: Ambry Variant Classification Scheme 2023. Collection method: clinical testing. Allele origin: germline.

Illumina Laboratory Services, Illumina
Classification: Likely benign for Sitosterolemia 1. Last evaluated: 2017-04-27. Review status: criteria provided, single submitter. Criteria: ICSL Variant Classification Criteria 13 December 2019. Collection method: clinical testing. Allele origin: germline.
Comment: This variant was observed as part of a predisposition screen in an ostensibly healthy population. A literature search was performed for the gene, cDNA change, and amino acid change (where applicable). Publications were found based on this search. The evidence from the literature, in combination with allele frequency data from public databases where available, was sufficient to determine this variant is unlikely to cause disease. Therefore, this variant is classified as likely benign.

Genetic Services Laboratory, University of Chicago
Classification: Uncertain significance. Last evaluated: 2017-03-10. Review status: criteria provided, single submitter. Criteria: ACMG Guidelines, 2015. Collection method: clinical testing. Allele origin: germline. Affected: no.

Eurofins Ntd Llc (ga)
Classification: Benign. Last evaluated: 2016-07-25. Review status: criteria provided, single submitter. Criteria: EGL Classification Definitions 2015. Collection method: clinical testing. Allele origin: germline. Observed: 1 variant allele, 1 heterozygote.

PreventionGenetics, part of Exact Sciences
Classification: Likely benign for ABCG5-related condition. Last evaluated: 2024-09-20. Review status: no assertion criteria provided. Collection method: clinical testing. Allele origin: germline. Not counted in ClinVar's aggregate classification.
Comment: This variant is classified as likely benign based on ACMG/AMP sequence variant interpretation guidelines (Richards et al. 2015 PMID: 25741868, with internal and published modifications).

ISTH-SSC Genomics in Thrombosis and Hemostasis, KU Leuven, Center for Molecular and Vascular Biology
Classification: Uncertain significance for Sitosterolemia 1. Review status: no assertion criteria provided. Collection method: research. Allele origin: unknown. Affected: yes. Not counted in ClinVar's aggregate classification.
Comment: Submitted to GoldVariant by Neil Morgan from Birmingham Platelet Group, Birmingham, UK

Literature cited by the submitters: PubMed 30270055 (cited by Women's Health and Genetics/Laboratory Corporation of America, LabCorp and Ambry Genetics); PubMed 35460704 (cited by Women's Health and Genetics/Laboratory Corporation of America, LabCorp); PubMed 36648309 (cited by Women's Health and Genetics/Laboratory Corporation of America, LabCorp); PubMed 27291889 (cited by 3 submitters); PubMed 30349881 (cited by Ambry Genetics); PubMed 32702746 (cited by Ambry Genetics).

NM_022436.3(ABCG5):c.293C>G (p.Ala98Gly)

Gene: ABCG5 (ATP binding cassette subfamily G member 5; minus strand). Cytogenetic location: 2p21.
Variant type: single nucleotide variant.
Coding change: c.293C>G on transcript NM_022436.3 (MANE Select); coding-DNA position 293, C replaced by G.
Protein change: p.Ala98Gly; replaces alanine 98 with glycine.
Molecular consequence: missense variant.
Genome position (GRCh38, 1-based): chr2:43,832,056, G>C on the plus strand (C>G on the coding strand, the complement: ABCG5 is on the minus strand). VCF-style: chr2-43832056-G-C. GRCh37 (hg19) VCF-style: chr2-44059195-G-C.
Other names: p.Ala98Gly; short protein forms A98G.
Identifiers: ClinVar variation 289815 (VCV000289815.80), dbSNP rs145164937, ClinGen allele CA1636713.
Genomic context (GRCh38, chr2:43,832,056, plus strand): 5'-CGGCCGTTCACATACACCTCCCCCAGGAAGGTCCCCGCGCGCCCCAGCCTCCCGGACATG[G>C]CGTCCAGCAGCGTGGTTTTCCCGGAGCCTGCGGGGCGACAACAGAAGGCCCTAGAGGAAC-3'
Protein context (NP_071881.1, residues 88-108): SGSGKTTLLD[Ala98Gly]MSGRLGRAGT